The following is an entry in ClinVar:

ClinVar aggregate classification (germline): Benign/Likely benign. Review status: criteria provided, multiple submitters, no conflicts (2 of 4 stars). 3 submissions from 3 submitters: Benign (1); Likely benign (2). Last evaluated 2024-11-16.

Conditions:
Hereditary cancer-predisposing syndrome. Also called: Tumor predisposition; Neoplastic Syndromes, Hereditary; Hereditary neoplastic syndrome; Hereditary Cancer Syndrome. Identifiers: Orphanet 140162, MedGen C0027672, MeSH D009386, MONDO:0015356.
Familial melanoma. Also called: Hereditary melanoma; Hereditary cutaneous melanoma. Identifiers: Orphanet 618, MedGen C1512419, MONDO:0018961.
Melanoma, cutaneous malignant, susceptibility to, 3. Also called: Cutaneous malignant melanoma 3. Identifiers: Orphanet 618, MedGen C1836892, MONDO:0012183, OMIM 609048.

Allele frequency attached by ClinVar (database versions not stated): gnomAD 0.00001.
gnomAD v4.1: 1 of 1,614,074 alleles (0.000062%); highest among the groups gnomAD compares: African/African-American, 0.0013%; no homozygotes.

Submissions (3):

Labcorp Genetics (formerly Invitae), Labcorp
Classification: Likely benign for Familial melanoma. Last evaluated: 2024-11-16. Review status: criteria provided, single submitter. Criteria: Invitae Variant Classification Sherloc (09022015). Collection method: clinical testing. Allele origin: germline.

Myriad Genetics, Inc.
Classification: Benign for Melanoma, cutaneous malignant, susceptibility to, 3. Last evaluated: 2024-09-24. Review status: criteria provided, single submitter. Criteria: Myriad Autosomal Dominant, Autosomal Recessive and X-Linked Classification Criteria (2023). Collection method: clinical testing. Allele origin: unknown.
Comment: This variant is considered benign. This variant is a silent/synonymous amino acid change and it is not expected to impact splicing.

Ambry Genetics
Classification: Likely benign for Hereditary cancer-predisposing syndrome. Last evaluated: 2021-05-18. Review status: criteria provided, single submitter. Criteria: Ambry Variant Classification Scheme 2023. Collection method: clinical testing. Allele origin: germline.

NM_000075.4(CDK4):c.87C>T (p.Gly29=)

Gene: CDK4 (cyclin dependent kinase 4; minus strand). Cytogenetic location: 12q14.1.
Variant type: single nucleotide variant.
Coding change: c.87C>T on transcript NM_000075.4 (MANE Select); coding-DNA position 87, C replaced by T.
Protein change: p.Gly29=; no amino-acid change (glycine 29 retained).
Molecular consequence: synonymous variant.
Genome position (GRCh38, 1-based): chr12:57,751,631, G>A on the plus strand (C>T on the coding strand, the complement: CDK4 is on the minus strand). VCF-style: chr12-57751631-G-A. GRCh37 (hg19) VCF-style: chr12-58145414-G-A.
Identifiers: ClinVar variation 1152499 (VCV001152499.12), dbSNP rs1555201376, ClinGen allele CA480404903.
Genomic context (GRCh38, chr12:57,751,631, plus strand): 5'-AAGGCCTCCTCCACCTCCTCCTCCATTGGGGACTCTCACACTCTTGAGGGCCACAAAGTG[G>A]CCACTGTGGGGATCACGGGCCTTGTACACTGTCCCATAGGCACCGACACCAATTTCAGCC-3'
Protein context (NP_000066.1, residues 19-39): TVYKARDPHS[Gly29=]HFVALKSVRV